The following is an entry in ClinVar:

NC_000009.12:g.70810001T>C

Genes: MIR204 (microRNA 204; minus strand), TRPM3 (transient receptor potential cation channel subfamily M member 3; minus strand). Cytogenetic location: 9q21.12.
Variant type: single nucleotide variant.
Molecular consequence: intron variant (on NM_001366145.2). On other transcripts: non-coding transcript variant (1).
Genome position: GRCh38 VCF-style: chr9-70810001-T-C. GRCh37 (hg19) VCF-style: chr9-73424917-T-C.
Other names: c.979+17846A>G (NM_001366142.2, NM_001366144.2, NM_001366143.2 and 1 more transcripts); c.973+17846A>G (NM_001366150.2, NM_001366151.2, NM_001366153.2 and 4 more transcripts); c.589+1169A>G (NM_206947.5, NM_206946.5, NM_001007470.3); c.1048+1169A>G (NM_001366147.2, NM_001366148.2, NM_001366152.2); c.514+17846A>G (NM_206944.5, NM_020952.6, NM_206945.5 and 3 more transcripts).
Identifiers: ClinVar variation 1900878 (VCV001900878.5), dbSNP rs769055822, ClinGen allele CA5078768.

ClinVar aggregate classification (germline): Uncertain significance (1 of 4 stars; one submission).

Allele frequency attached by ClinVar (database versions not stated): ExAC 0.00002; gnomAD 0.00002; TOPMed 0.00002; gnomAD exomes 0.00005.
gnomAD v4.1: 23 of 534,562 alleles (0.0043%); highest among the groups gnomAD compares: Non-Finnish European, 0.0088%; no homozygotes.

Submission:

Labcorp Genetics (formerly Invitae), Labcorp
Classification: Uncertain significance. Last evaluated: 2024-10-29. Review status: criteria provided, single submitter. Criteria: Invitae Variant Classification Sherloc (09022015). Collection method: clinical testing. Allele origin: germline.
Comment: This variant occurs in the MIR204 gene, which encodes an RNA molecule that does not result in a protein product. This variant is present in population databases (rs769055822, gnomAD 0.01%). This variant has not been reported in the literature in individuals affected with MIR204-related conditions. ClinVar contains an entry for this variant (Variation ID: 1900878). Experimental studies and prediction algorithms are not available or were not evaluated, and the functional significance of this variant is currently unknown. In summary, the available evidence is currently insufficient to determine the role of this variant in disease. Therefore, it has been classified as a Variant of Uncertain Significance.